The following is an entry in ClinVar:

ClinVar aggregate classification (germline): Uncertain significance (1 of 4 stars; one submission).

Allele frequency attached by ClinVar (database versions not stated): gnomAD exomes 0.00001.
gnomAD v4.1: 7 of 1,611,180 alleles (0.00043%); highest among the groups gnomAD compares: Non-Finnish European, 0.00059%; no homozygotes.

Submission:

GeneDx
Classification: Uncertain significance. Last evaluated: 2026-01-28. Review status: criteria provided, single submitter. Criteria: GeneDx Variant Classification Process June 2021. Collection method: clinical testing. Allele origin: germline. Affected: yes.
Comment: Not observed at significant frequency in large population cohorts (gnomAD); In silico analysis supports that this missense variant has a deleterious effect on protein structure/function; Has not been previously published as pathogenic or benign to our knowledge

NM_002941.4(ROBO1):c.865C>T (p.Pro289Ser)

Gene: ROBO1 (roundabout guidance receptor 1; minus strand). Cytogenetic location: 3p12.3.
Variant type: single nucleotide variant.
Coding change: c.865C>T on transcript NM_002941.4 (MANE Select); coding-DNA position 865, C replaced by T.
Protein change: p.Pro289Ser; replaces proline 289 with serine.
Molecular consequence: missense variant.
Genome position (GRCh38, 1-based): chr3:78,717,327, G>A on the plus strand (C>T on the coding strand, the complement: ROBO1 is on the minus strand). VCF-style: chr3-78717327-G-A. GRCh37 (hg19) VCF-style: chr3-78766477-G-A.
Other names: c.748C>T, p.Pro250Ser (NM_001145844.1, NM_001145845.2, NM_133631.4); short protein forms P250S, P289S.
Identifiers: ClinVar variation 2575704 (VCV002575704.2), dbSNP rs2472633336, ClinGen allele CA353664209.
Genomic context (GRCh38, chr3:78,717,327, plus strand): 5'-ATGTGTACCTGGATTTGGGCAGCTCTCCATCATCTTTCCTCCATCGTACTGTAGGTACAG[G>A]GTCACCTCGGGCCTCACATTTAAATTCTGCACTGTCATCCACAGTTACTGCCAAGTTACT-3'
Protein context (NP_002932.1, residues 279-299): AEFKCEARGD[Pro289Ser]VPTVRWRKDD